The following is an entry in ClinVar:

NM_000388.4(CASR):c.3190A>G (p.Ile1064Val)

Gene: CASR (calcium sensing receptor; plus strand). Cytogenetic location: 3q21.1.
Variant type: single nucleotide variant.
Coding change: c.3190A>G on transcript NM_000388.4 (MANE Select); coding-DNA position 3190, A replaced by G.
Protein change: p.Ile1064Val; replaces isoleucine 1064 with valine.
Molecular consequence: missense variant.
Genome position (GRCh38, 1-based): chr3:122,285,144, A>G. VCF-style: chr3-122285144-A-G. GRCh37 (hg19) VCF-style: chr3-122003991-A-G.
Other names: c.3220A>G, p.Ile1074Val (NM_001178065.2); short protein forms I1064V, I1074V.
Identifiers: ClinVar variation 1057482 (VCV001057482.9), dbSNP rs2107652087, ClinGen allele CA354161746.

ClinVar aggregate classification (germline): Uncertain significance (1 of 4 stars; one submission).

Conditions:
Autosomal dominant hypocalcemia 1 (HYPOC1). Also called: HYPOCALCEMIA, FAMILIAL. Identifiers: MedGen C3715128, MONDO:0011013, OMIM 601198.
Familial hypocalciuric hypercalcemia (FHH). Also called: Familial benign hypercalcemia. Identifiers: Orphanet 405, MedGen C1809471, MONDO:0018458.

Submission:

Labcorp Genetics (formerly Invitae), Labcorp
Classification: Uncertain significance for Familial hypocalciuric hypercalcemia; Autosomal dominant hypocalcemia 1. Last evaluated: 2026-01-19. Review status: criteria provided, single submitter. Criteria: Invitae Variant Classification Sherloc (09022015). Collection method: clinical testing. Allele origin: germline.
Comment: This sequence change replaces isoleucine, which is neutral and non-polar, with valine, which is neutral and non-polar, at codon 1064 of the CASR protein (p.Ile1064Val). This variant is not present in population databases (gnomAD no frequency). This variant has not been reported in the literature in individuals affected with CASR-related conditions. ClinVar contains an entry for this variant (Variation ID: 1057482). An algorithm developed to predict the effect of missense changes on protein structure and function (PolyPhen-2) suggests that this variant is likely to be tolerated. In summary, the available evidence is currently insufficient to determine the role of this variant in disease. Therefore, it has been classified as a Variant of Uncertain Significance.